The following is an entry in ClinVar:

NM_006059.4(LAMC3):c.2276G>A (p.Gly759Asp)

Gene: LAMC3 (laminin subunit gamma 3; plus strand). Cytogenetic location: 9q34.12.
Variant type: single nucleotide variant.
Coding change: c.2276G>A on transcript NM_006059.4 (MANE Select); coding-DNA position 2276, G replaced by A.
Protein change: p.Gly759Asp; replaces glycine 759 with aspartic acid.
Molecular consequence: missense variant.
Genome position (GRCh38, 1-based): chr9:131,061,152, G>A. VCF-style: chr9-131061152-G-A. GRCh37 (hg19) VCF-style: chr9-133936539-G-A.
Other names: short protein forms G759D.
Identifiers: ClinVar variation 1336546 (VCV001336546.15), dbSNP rs150859618, ClinGen allele CA5287374.
Genomic context (GRCh38, chr9:131,061,152, plus strand): 5'-GTTTCTATGGCAACCCTTTCGCGGGCCAAGCCGACGACTGCCAGCCCTGTCCCTGCCCTG[G>A]CCAGTCGGCCTGTACGACCATCCCAGAGAGCCGGGAGGTGGTGTGTACCCACTGCCCCCC-3'
Protein context (NP_006050.3, residues 749-769): ADDCQPCPCP[Gly759Asp]QSACTTIPES

ClinVar aggregate classification (germline): Conflicting classifications of pathogenicity. Review status: criteria provided, conflicting classifications (1 of 4 stars). 6 submissions from 6 submitters: Uncertain significance (2); Likely benign (3). 1 of the submissions does not count toward it. Last evaluated 2026-02-03.

Conditions:
LAMC3-related disorder. Also called: LAMC3-related condition.
Inborn genetic diseases. Identifiers: MedGen C0950123, MeSH D030342.

Allele frequency attached by ClinVar (database versions not stated): 1000 Genomes Project 30x 0.00016; 1000 Genomes Project 0.00020; gnomAD exomes 0.00021; ExAC 0.00027; gnomAD 0.00076 and 0.00084; TOPMed 0.00093; ESP Exome Variant Server 0.00123.
gnomAD v4.1: 239 of 1,613,000 alleles (0.015%); highest among the groups gnomAD compares: African/African-American, 0.29%; no homozygotes.

Submissions (6):

Labcorp Genetics (formerly Invitae), Labcorp
Classification: Likely benign. Last evaluated: 2026-02-03. Review status: criteria provided, single submitter. Criteria: Invitae Variant Classification Sherloc (09022015). Collection method: clinical testing. Allele origin: germline.

Women's Health and Genetics/Laboratory Corporation of America, LabCorp
Classification: Likely benign. Last evaluated: 2025-12-09. Review status: criteria provided, single submitter. Criteria: LabCorp Variant Classification Summary - May 2015. Collection method: clinical testing. Allele origin: germline.
Comment: Variant summary: LAMC3 c.2276G>A (p.Gly759Asp) results in a non-conservative amino acid change located in the EGF-like domain (IPR000742) of the encoded protein sequence. Algorithms developed to predict the effect of missense changes on protein structure and function are either unavailable or do not agree on the potential impact of this missense change. The variant allele was found at a frequency of 0.00021 in 250234 control chromosomes, predominantly at a frequency of 0.003 within the African or African-American subpopulation in the gnomAD database. The observed variant frequency within African or African-American control individuals in the gnomAD database exceeds the estimated maximal expected allele frequency for disease-causing variants in LAMC3. To our knowledge, no occurrence of c.2276G>A in individuals affected with LAMC3-related conditions and no experimental evidence demonstrating its impact on protein function have been reported. ClinVar contains an entry for this variant (Variation ID: 1336546). Based on the evidence outlined above, the variant was classified as likely benign.

Ambry Genetics
Classification: Likely benign for Inborn genetic diseases. Last evaluated: 2025-01-25. Review status: criteria provided, single submitter. Criteria: Ambry Variant Classification Scheme 2023. Collection method: clinical testing. Allele origin: germline.

GeneDx
Classification: Uncertain significance. Last evaluated: 2023-12-13. Review status: criteria provided, single submitter. Criteria: GeneDx Variant Classification Process June 2021. Collection method: clinical testing. Allele origin: germline. Affected: yes.
Comment: In silico analysis supports that this missense variant does not alter protein structure/function; Has not been previously published as pathogenic or benign to our knowledge

Genetic Services Laboratory, University of Chicago
Classification: Uncertain significance. Last evaluated: 2018-02-27. Review status: criteria provided, single submitter. Criteria: ACMG Guidelines, 2015. Collection method: clinical testing. Allele origin: germline. Affected: no.

PreventionGenetics, part of Exact Sciences
Classification: Likely benign for LAMC3-related condition. Last evaluated: 2024-05-15. Review status: no assertion criteria provided. Collection method: clinical testing. Allele origin: germline. Not counted in ClinVar's aggregate classification.
Comment: This variant is classified as likely benign based on ACMG/AMP sequence variant interpretation guidelines (Richards et al. 2015 PMID: 25741868, with internal and published modifications).